The following is an entry in ClinVar:

NM_002230.4(JUP):c.1308G>T (p.Glu436Asp)

Gene: JUP (junction plakoglobin; minus strand). Cytogenetic location: 17q21.2.
Variant type: single nucleotide variant.
Coding change: c.1308G>T on transcript NM_002230.4 (MANE Select); coding-DNA position 1308, G replaced by T.
Protein change: p.Glu436Asp; replaces glutamic acid 436 with aspartic acid.
Molecular consequence: missense variant.
Genome position (GRCh38, 1-based): chr17:41,763,172, C>A on the plus strand (G>T on the coding strand, the complement: JUP is on the minus strand). VCF-style: chr17-41763172-C-A. GRCh37 (hg19) VCF-style: chr17-39919424-C-A.
Other names: c.1308G>T, p.Glu436Asp (NM_001352773.2, NM_001352774.2, NM_001352775.2 and 3 more transcripts); c.1308G>T (NM_002230.2); short protein forms E436D.
Identifiers: ClinVar variation 1001832 (VCV001001832.10), dbSNP rs782594495, ClinGen allele CA8565237.
Genomic context (GRCh38, chr17:41,763,172, plus strand): 5'-GACGGCAGGCTCCGTGATGTCGTCCTTGTCACCAGCACGCAGGATGGCATGGATGAGAGC[C>A]TCCACACCGCTGTTCTGTGTCACCAGCGTCTTGTTCTTGCTGTTGTTGCATGTCAGGTTG-3'
Protein context (NP_002221.1, residues 426-446): KTLVTQNSGV[Glu436Asp]ALIHAILRAG

ClinVar aggregate classification (germline): Uncertain significance. Review status: criteria provided, multiple submitters, no conflicts (2 of 4 stars). 2 submissions from 2 submitters: Uncertain significance (2). Last evaluated 2023-05-27.

Conditions:
Cardiovascular phenotype. Identifiers: MedGen CN230736.
Arrhythmogenic right ventricular dysplasia 12. Also called: ARRHYTHMOGENIC RIGHT VENTRICULAR DYSPLASIA, FAMILIAL, 12. Identifiers: MedGen C1969081, MONDO:0012684, OMIM 611528.
Naxos disease (NXD). Also called: WOOLLY HAIR, PALMOPLANTAR KERATODERMA, AND CARDIAC ABNORMALITIES; KERATOSIS PALMOPLANTARIS WITH ARRHYTHMOGENIC CARDIOMYOPATHY; MAL DE NAXOS; PALMOPLANTAR KERATODERMA WITH ARRHYTHMOGENIC RIGHT VENTRICULAR CARDIOMYOPATHY AND WOOLLY HAIR; CARDIOMYOPATHY, ARRHYTHMOGENIC RIGHT VENTRICULAR, WITH SKIN, HAIR, AND NAIL ABNORMALITIES. Identifiers: Orphanet 34217, MedGen C1832600, MONDO:0011017, OMIM 601214.

Allele frequency attached by ClinVar (database versions not stated): gnomAD exomes below 0.00001; ExAC 0.00001; gnomAD 0.00001; TOPMed 0.00001.
gnomAD v4.1: 6 of 1,614,124 alleles (0.00037%); highest among the groups gnomAD compares: African/African-American, 0.0067%; no homozygotes.

Submissions (2):

Ambry Genetics
Classification: Uncertain significance for Cardiovascular phenotype. Last evaluated: 2023-05-27. Review status: criteria provided, single submitter. Criteria: Ambry Variant Classification Scheme 2023. Collection method: clinical testing. Allele origin: germline.
Comment: The p.E436D variant (also known as c.1308G>T), located in coding exon 7 of the JUP gene, results from a G to T substitution at nucleotide position 1308. The glutamic acid at codon 436 is replaced by aspartic acid, an amino acid with highly similar properties. This amino acid position is conserved. In addition, the in silico prediction for this alteration is inconclusive. Since supporting evidence is limited at this time, the clinical significance of this alteration remains unclear.

Labcorp Genetics (formerly Invitae), Labcorp
Classification: Uncertain significance for Arrhythmogenic right ventricular dysplasia 12; Naxos disease. Last evaluated: 2022-08-16. Review status: criteria provided, single submitter. Criteria: Invitae Variant Classification Sherloc (09022015). Collection method: clinical testing. Allele origin: germline.
Comment: This sequence change replaces glutamic acid, which is acidic and polar, with aspartic acid, which is acidic and polar, at codon 436 of the JUP protein (p.Glu436Asp). This variant is present in population databases (rs782594495, gnomAD 0.007%). This variant has not been reported in the literature in individuals affected with JUP-related conditions. ClinVar contains an entry for this variant (Variation ID: 1001832). In summary, the available evidence is currently insufficient to determine the role of this variant in disease. Therefore, it has been classified as a Variant of Uncertain Significance. Algorithms developed to predict the effect of missense changes on protein structure and function (SIFT, PolyPhen-2, Align-GVGD) all suggest that this variant is likely to be tolerated.